The following is an entry in ClinVar:

NM_198506.5(LRIT3):c.235_236insC (p.Tyr79fs)

Gene: LRIT3 (leucine rich repeat, Ig-like and transmembrane domains 3; plus strand). Cytogenetic location: 4q25.
Variant type: Insertion.
Coding change: c.235_236insC on transcript NM_198506.5 (MANE Select); coding-DNA positions 235 to 236, C inserted.
Protein change: p.Tyr79fs; shifts the reading frame from tyrosine 79.
Molecular consequence: frameshift variant.
Genome position: GRCh38 VCF-style: chr4-109851622-T-TC. GRCh37 (hg19) VCF-style: chr4-110772778-T-TC.
Other names: short protein forms Y79fs.
Identifiers: ClinVar variation 2116056 (VCV002116056.1), dbSNP rs1734271866, ClinGen allele CA1484764677.

ClinVar aggregate classification (germline): Uncertain significance (1 of 4 stars; one submission).

Allele frequency attached by ClinVar (database versions not stated): TOPMed 0.00001.

Submission:

Labcorp Genetics (formerly Invitae), Labcorp
Classification: Uncertain significance. Last evaluated: 2022-03-23. Review status: criteria provided, single submitter. Criteria: Invitae Variant Classification Sherloc (09022015). Collection method: clinical testing. Allele origin: germline.
Comment: This sequence change creates a premature translational stop signal (p.Tyr79Serfs*19) in the LRIT3 gene. It is expected to result in an absent or disrupted protein product. However, the current clinical and genetic evidence is not sufficient to establish whether loss-of-function variants in LRIT3 cause disease. This variant is not present in population databases (gnomAD no frequency). This variant has not been reported in the literature in individuals affected with LRIT3-related conditions. In summary, the available evidence is currently insufficient to determine the role of this variant in disease. Therefore, it has been classified as a Variant of Uncertain Significance.